The following is an entry in ClinVar:

NM_022124.6(CDH23):c.370del (p.Asp124fs)

Genes: CDH23 (cadherin related 23; plus strand), CDH23-AS1 (CDH23 antisense RNA 1; minus strand). Cytogenetic location: 10q22.1.
Variant type: Deletion.
Coding change: c.370del on transcript NM_022124.6 (MANE Select); coding-DNA position 370, one base deleted (G; older notation c.370delG).
Protein change: p.Asp124fs; shifts the reading frame from aspartic acid 124.
Molecular consequence: frameshift variant.
Genome position (GRCh38, 1-based): chr10:71,511,153, G deleted; the last of 4 consecutive G bases (chr10:71,511,150-71,511,153); deleting any one gives the same sequence. VCF-style (leftmost placement, unchanged base first): chr10-71511149-TG-T. GRCh37 (hg19) VCF-style: chr10-73270906-TG-T.
Other names: c.370del, p.Asp124fs (NM_001171930.2, NM_001171931.2, NM_001171932.2 and 1 more transcripts); short protein forms D124fs.
Identifiers: ClinVar variation 2090980 (VCV002090980.4), dbSNP rs2493197439, ClinGen allele CA2580081817.

ClinVar aggregate classification (germline): Pathogenic (1 of 4 stars; one submission).

Submission:

Labcorp Genetics (formerly Invitae), Labcorp
Classification: Pathogenic. Last evaluated: 2025-04-16. Review status: criteria provided, single submitter. Criteria: Invitae Variant Classification Sherloc (09022015). Collection method: clinical testing. Allele origin: germline.
Comment: This sequence change creates a premature translational stop signal (p.Asp124Metfs*2) in the CDH23 gene. It is expected to result in an absent or disrupted protein product. Loss-of-function variants in CDH23 are known to be pathogenic (PMID: 11138009, 21940737). This variant is not present in population databases (gnomAD no frequency). This variant has not been reported in the literature in individuals affected with CDH23-related conditions. ClinVar contains an entry for this variant (Variation ID: 2090980). For these reasons, this variant has been classified as Pathogenic.

Literature cited by the submitters: PubMed 11138009; PubMed 21940737.